The following is an entry in ClinVar:

ClinVar aggregate classification (germline): Benign/Likely benign. Review status: criteria provided, multiple submitters, no conflicts (2 of 4 stars). 5 submissions from 5 submitters: Benign (1); Likely benign (4). Last evaluated 2025-07-27.

Conditions:
Hereditary cancer-predisposing syndrome. Also called: Hereditary Cancer Syndrome; Hereditary neoplastic syndrome; Neoplastic Syndromes, Hereditary; Tumor predisposition. Identifiers: Orphanet 140162, MedGen C0027672, MeSH D009386, MONDO:0015356.
Familial cancer of breast. Also called: Hereditary breast cancer; hereditary breast carcinoma; BREAST CANCER, FAMILIAL. Identifiers: Orphanet 227535, MedGen C0346153, MONDO:0016419, OMIM 114480. Disease mechanism: loss of function.

Allele frequency attached by ClinVar (database versions not stated): gnomAD exomes 0.00001; ExAC 0.00002.
gnomAD v4.1: 3 of 1,614,204 alleles (0.00019%); highest among the groups gnomAD compares: South Asian, 0.0033%; no homozygotes.

Submissions (5):

Labcorp Genetics (formerly Invitae), Labcorp
Classification: Likely benign for Familial cancer of breast. Last evaluated: 2025-07-27. Review status: criteria provided, single submitter. Criteria: Invitae Variant Classification Sherloc (09022015). Collection method: clinical testing. Allele origin: germline.

Myriad Genetics, Inc.
Classification: Benign for Familial cancer of breast. Last evaluated: 2024-07-30. Review status: criteria provided, single submitter. Criteria: Myriad Autosomal Dominant, Autosomal Recessive and X-Linked Classification Criteria (2023). Collection method: clinical testing. Allele origin: unknown.
Comment: This variant is considered benign. This variant is a silent/synonymous amino acid change and it is not expected to impact splicing.

Ambry Genetics
Classification: Likely benign for Hereditary cancer-predisposing syndrome. Last evaluated: 2022-11-26. Review status: criteria provided, single submitter. Criteria: Ambry Variant Classification Scheme 2023. Collection method: clinical testing. Allele origin: germline.

Color Diagnostics, LLC DBA Color Health
Classification: Likely benign for Hereditary cancer-predisposing syndrome. Last evaluated: 2020-09-28. Review status: criteria provided, single submitter. Criteria: ACMG Guidelines, 2015. Collection method: clinical testing. Allele origin: germline.

GeneDx
Classification: Likely benign. Last evaluated: 2016-07-07. Review status: criteria provided, single submitter. Criteria: GeneDx Variant Classification (06012015). Collection method: clinical testing. Allele origin: germline. Affected: yes.
Comment: This variant is considered likely benign or benign based on one or more of the following criteria: it is a conservative change, it occurs at a poorly conserved position in the protein, it is predicted to be benign by multiple in silico algorithms, and/or has population frequency not consistent with disease.

NM_000465.4(BARD1):c.2313G>A (p.Glu771=)

Gene: BARD1 (BRCA1 associated RING domain 1; minus strand). Cytogenetic location: 2q35.
Variant type: single nucleotide variant.
Coding change: c.2313G>A on transcript NM_000465.4 (MANE Select); coding-DNA position 2313, G replaced by A.
Protein change: p.Glu771=; no amino-acid change (glutamic acid 771 retained).
Molecular consequence: synonymous variant. On other transcripts: non-coding transcript variant (3).
Genome position (GRCh38, 1-based): chr2:214,728,697, C>T on the plus strand (G>A on the coding strand, the complement: BARD1 is on the minus strand). VCF-style: chr2-214728697-C-T. GRCh37 (hg19) VCF-style: chr2-215593421-C-T.
Other names: c.2256G>A, p.Glu752= (NM_001282543.2); c.960G>A, p.Glu320= (NM_001282545.2); c.903G>A, p.Glu301= (NM_001282548.2); c.774G>A, p.Glu258= (NM_001282549.2).
Identifiers: ClinVar variation 387618 (VCV000387618.10), dbSNP rs762887239, ClinGen allele CA2090049.